The following is an entry in ClinVar:

NM_001348323.3(TRIP12):c.1479A>T (p.Gly493=)

Gene: TRIP12 (thyroid hormone receptor interactor 12; minus strand). Cytogenetic location: 2q36.3.
Variant type: single nucleotide variant.
Coding change: c.1479A>T on transcript NM_001348323.3 (MANE Select); coding-DNA position 1479, A replaced by T.
Protein change: p.Gly493=; no amino-acid change (glycine 493 retained).
Molecular consequence: synonymous variant.
Genome position (GRCh38, 1-based): chr2:229,818,484, T>A on the plus strand (A>T on the coding strand, the complement: TRIP12 is on the minus strand). VCF-style: chr2-229818484-T-A. GRCh37 (hg19) VCF-style: chr2-230683200-T-A.
Other names: c.1479A>T, p.Gly493= (NM_001284214.2, NM_001348315.2, NM_001348319.1 and 11 more transcripts); c.1353A>T, p.Gly451= (NM_001284215.2, NM_001348316.2, NM_001348317.1 and 2 more transcripts); c.444A>T, p.Gly148= (NM_001284216.2); c.1392A>T, p.Gly464= (NM_001348332.1); c.1335A>T, p.Gly445= (NM_004238.3).
Identifiers: ClinVar variation 2651985 (VCV002651985.25), dbSNP rs61733503, ClinGen allele CA2153259.

ClinVar aggregate classification (germline): Likely benign. Review status: criteria provided, multiple submitters, no conflicts (2 of 4 stars). 2 submissions from 2 submitters: Likely benign (2). Last evaluated 2026-03-01.

Allele frequency attached by ClinVar (database versions not stated): gnomAD exomes 0.00016; ExAC 0.00048; 1000 Genomes Project 0.00060; 1000 Genomes Project 30x 0.00078; gnomAD 0.00174; TOPMed 0.00192; ESP Exome Variant Server 0.00246.
gnomAD v4.1: 509 of 1,614,132 alleles (0.032%); highest among the groups gnomAD compares: African/African-American, 0.6%; no homozygotes.

Submissions (2):

CeGaT Center for Human Genetics Tuebingen
Classification: Likely benign. Last evaluated: 2026-03-01. Review status: criteria provided, single submitter. Criteria: CeGaT Center For Human Genetics Tuebingen Variant Classification Criteria Version 2. Collection method: clinical testing. Allele origin: germline. Affected: yes. Observed: 2 variant alleles.
Comment: TRIP12: BP4, BP7

Blueprint Genetics
Classification: Likely benign. Last evaluated: 2024-08-15. Review status: criteria provided, single submitter. Criteria: ACMG Guidelines, 2015. Collection method: clinical testing. Allele origin: germline.